The following is an entry in ClinVar:

ClinVar aggregate classification (germline): Uncertain significance (1 of 4 stars; one submission).

Conditions:
Severe combined immunodeficiency due to DNA-PKcs deficiency. Also called: IMMUNODEFICIENCY 26 WITH NEUROLOGIC ABNORMALITIES; Immunodeficiency 26 with or without neurologic abnormalities. Identifiers: Orphanet 317425, MedGen C4014833, MONDO:0014423, OMIM 615966.

Submission:

Labcorp Genetics (formerly Invitae), Labcorp
Classification: Uncertain significance for Severe combined immunodeficiency due to DNA-PKcs deficiency. Last evaluated: 2022-08-22. Review status: criteria provided, single submitter. Criteria: Invitae Variant Classification Sherloc (09022015). Collection method: clinical testing. Allele origin: germline.
Comment: In summary, the available evidence is currently insufficient to determine the role of this variant in disease. Therefore, it has been classified as a Variant of Uncertain Significance. Variants that disrupt the consensus splice site are a relatively common cause of aberrant splicing (PMID: 17576681, 9536098). Experimental studies and prediction algorithms are not available or were not evaluated, and the effect of this variant on mRNA splicing is currently unknown. This variant has not been reported in the literature in individuals affected with PRKDC-related conditions. This variant is not present in population databases (gnomAD no frequency). This sequence change falls in intron 67 of the PRKDC gene. It does not directly change the encoded amino acid sequence of the PRKDC protein. It affects a nucleotide within the consensus splice site.

Literature cited by the submitters: PubMed 17576681; PubMed 9536098.

NM_006904.7(PRKDC):c.9446-3T>C

Gene: PRKDC (protein kinase, DNA-activated, catalytic subunit; minus strand). Cytogenetic location: 8q11.21.
Variant type: single nucleotide variant.
Coding change: c.9446-3T>C on transcript NM_006904.7 (MANE Select); 3 bases into the intron before coding-DNA position 9446, T replaced by C.
Molecular consequence: intron variant.
Genome position (GRCh38, 1-based): chr8:47,817,564, A>G on the plus strand (T>C on the coding strand, the complement: PRKDC is on the minus strand). VCF-style: chr8-47817564-A-G. GRCh37 (hg19) VCF-style: chr8-48730125-A-G.
Other names: c.9446-3T>C (NM_001081640.2).
Identifiers: ClinVar variation 2022495 (VCV002022495.4), dbSNP rs2551864912, ClinGen allele CA2580078474.